The following is an entry in ClinVar:

ClinVar aggregate classification (germline): Conflicting classifications of pathogenicity. Review status: criteria provided, conflicting classifications (1 of 4 stars). 5 submissions from 5 submitters: Uncertain significance (3); Likely benign (2). Last evaluated 2025-07-27.

Conditions:
Hereditary cancer-predisposing syndrome. Also called: Neoplastic Syndromes, Hereditary; Tumor predisposition; Hereditary neoplastic syndrome; Hereditary Cancer Syndrome. Identifiers: Orphanet 140162, MedGen C0027672, MeSH D009386, MONDO:0015356.
Hereditary breast ovarian cancer syndrome. Also called: Hereditary breast and ovarian cancer syndrome; Hereditary breast and ovarian cancer; Hereditary breast and ovarian cancer syndrome (HBOC); Breast and ovarian cancer; Hereditary breast and/or ovarian cancer syndrome; BRCA1- and BRCA2-Associated Hereditary Breast and Ovarian Cancer. Identifiers: Orphanet 145, MedGen C0677776, MeSH D061325, MONDO:0003582. Disease mechanism: loss of function.

Allele frequency attached by ClinVar (database versions not stated): gnomAD 0.00001; TOPMed 0.00001.
gnomAD v4.1: 1 of 1,613,630 alleles (0.000062%); highest among the groups gnomAD compares: Non-Finnish European, 0.000085%; no homozygotes.

Submissions (5):

Labcorp Genetics (formerly Invitae), Labcorp
Classification: Uncertain significance for Hereditary breast ovarian cancer syndrome. Last evaluated: 2025-07-27. Review status: criteria provided, single submitter. Criteria: Invitae Variant Classification Sherloc (09022015). Collection method: clinical testing. Allele origin: germline.
Comment: This sequence change replaces alanine, which is neutral and non-polar, with valine, which is neutral and non-polar, at codon 1039 of the BRCA1 protein (p.Ala1039Val). This variant is not present in population databases (gnomAD no frequency). This variant has not been reported in the literature in individuals affected with BRCA1-related conditions. ClinVar contains an entry for this variant (Variation ID: 628386). Invitae Evidence Modeling of protein sequence and biophysical properties (such as structural, functional, and spatial information, amino acid conservation, physicochemical variation, residue mobility, and thermodynamic stability) indicates that this missense variant is not expected to disrupt BRCA1 protein function with a negative predictive value of 80%. In summary, the available evidence is currently insufficient to determine the role of this variant in disease. Therefore, it has been classified as a Variant of Uncertain Significance.

GeneDx
Classification: Uncertain significance. Last evaluated: 2024-01-31. Review status: criteria provided, single submitter. Criteria: GeneDx Variant Classification Process June 2021. Collection method: clinical testing. Allele origin: germline. Affected: yes.
Comment: Not observed at significant frequency in large population cohorts (gnomAD); In silico analysis supports that this missense variant does not alter protein structure/function; Has not been previously published as pathogenic or benign to our knowledge; Also known as 3235C>T; This variant is associated with the following publications: (PMID: 29884841, 15343273, 32377563)

Ambry Genetics
Classification: Likely benign for Hereditary cancer-predisposing syndrome. Last evaluated: 2023-08-04. Review status: criteria provided, single submitter. Criteria: Ambry Variant Classification Scheme 2023. Collection method: clinical testing. Allele origin: germline.

University of Washington Department of Laboratory Medicine, University of Washington
Classification: Likely benign for Hereditary cancer-predisposing syndrome. Last evaluated: 2023-03-23. Review status: criteria provided, single submitter. Criteria: Dines et al. (Genet Med. 2020). Collection method: curation. Allele origin: germline.
Comment: Missense variant in a coldspot region where missense variants are very unlikely to be pathogenic (PMID:31911673).

BRCA1 coldspot (exon 11 using historical exon numbering). Reclassification based on statistical prior probability

Color Diagnostics, LLC DBA Color Health
Classification: Uncertain significance for Hereditary cancer-predisposing syndrome. Last evaluated: 2019-05-30. Review status: criteria provided, single submitter. Criteria: ACMG Guidelines, 2015. Collection method: clinical testing. Allele origin: germline.

NM_007294.4(BRCA1):c.3116C>T (p.Ala1039Val)

Gene: BRCA1 (BRCA1 DNA repair associated; minus strand). Cytogenetic location: 17q21.31.
Variant type: single nucleotide variant.
Coding change: c.3116C>T on transcript NM_007294.4 (MANE Select); coding-DNA position 3116, C replaced by T.
Protein change: p.Ala1039Val; replaces alanine 1039 with valine.
Molecular consequence: missense variant. On other transcripts: intron variant (137).
Genome position (GRCh38, 1-based): chr17:43,092,415, G>A on the plus strand (C>T on the coding strand, the complement: BRCA1 is on the minus strand). VCF-style: chr17-43092415-G-A. GRCh37 (hg19) VCF-style: chr17-41244432-G-A.
Other names: c.2903C>T, p.Ala968Val (NM_001407571.1, NM_001407853.1, NM_001407894.1 and 9 more transcripts); c.3116C>T, p.Ala1039Val (NM_001407581.1, NM_001407582.1, NM_001407583.1 and 30 more transcripts); c.3113C>T, p.Ala1038Val (NM_001407587.1, NM_001407590.1, NM_001407591.1 and 22 more transcripts); c.3107C>T, p.Ala1036Val (NM_001407646.1, NM_001407647.1); c.2993C>T, p.Ala998Val (NM_001407648.1, NM_001407664.1, NM_001407665.1 and 19 more transcripts); c.2990C>T, p.Ala997Val (NM_001407649.1, NM_001407670.1, NM_001407671.1 and 11 more transcripts); c.3038C>T, p.Ala1013Val (NM_001407653.1, NM_001407654.1, NM_001407655.1 and 4 more transcripts); c.3035C>T, p.Ala1012Val (NM_001407659.1, NM_001407660.1, NM_001407661.1 and 1 more transcripts); and 41 more; short protein forms A1039V, A992V, A1012V, A1013V, A871V, A912V, A972V, A1038V.
Identifiers: ClinVar variation 628386 (VCV000628386.17), dbSNP rs1173254670, ClinGen allele CA10595751.